The following is an entry in ClinVar:

NM_206926.2(SELENON):c.1246A>G (p.Ile416Val)

Gene: SELENON (selenoprotein N; plus strand). Cytogenetic location: 1p36.11.
Variant type: single nucleotide variant.
Coding change: c.1246A>G on transcript NM_206926.2 (MANE Select); coding-DNA position 1246, A replaced by G.
Protein change: p.Ile416Val; replaces isoleucine 416 with valine.
Molecular consequence: missense variant.
Genome position (GRCh38, 1-based): chr1:25,812,753, A>G. VCF-style: chr1-25812753-A-G. GRCh37 (hg19) VCF-style: chr1-26139244-A-G.
Other names: c.1348A>G, p.Ile450Val (NM_020451.3); short protein forms I450V, I416V.
Identifiers: ClinVar variation 843153 (VCV000843153.8), dbSNP rs1472493197, ClinGen allele CA339117808.
Genomic context (GRCh38, chr1:25,812,753, plus strand): 5'-TACTTGCCGTTCACTGAGGCCTTCGACCGAGCCAAGGCTGAGAACAAGCTGGTGCACTCA[A>G]TCCTGCTGTGGGGGGCCCTGGATGACCAGTCCTGCTGAGGTGAGGGGCCCGGCTGGATCT-3'
Protein context (NP_996809.1, residues 406-426): AKAENKLVHS[Ile416Val]LLWGALDDQS

ClinVar aggregate classification (germline): Uncertain significance. Review status: criteria provided, multiple submitters, no conflicts (2 of 4 stars). 2 submissions from 2 submitters: Uncertain significance (2). Last evaluated 2025-06-24.

Conditions:
Inborn genetic diseases. Identifiers: MedGen C0950123, MeSH D030342.
Eichsfeld type congenital muscular dystrophy (CMYO3). Also called: MYOPATHY, SEPN1-RELATED; SELENON-related myopathy; Congenital myopathy 3 with rigid spine; Rigid spine muscular dystrophy 1. Identifiers: MedGen C0410180, MONDO:0100100, OMIM 602771.

Allele frequency attached by ClinVar (database versions not stated): gnomAD 0.00001; gnomAD exomes 0.00001; TOPMed 0.00001.
gnomAD v4.1: 13 of 1,613,354 alleles (0.00081%); highest among the groups gnomAD compares: East Asian, 0.0045%; no homozygotes.

Submissions (2):

Ambry Genetics
Classification: Uncertain significance for Inborn genetic diseases. Last evaluated: 2025-06-24. Review status: criteria provided, single submitter. Criteria: Ambry Variant Classification Scheme 2023. Collection method: clinical testing. Allele origin: germline.

Labcorp Genetics (formerly Invitae), Labcorp
Classification: Uncertain significance for Eichsfeld type congenital muscular dystrophy. Last evaluated: 2022-06-08. Review status: criteria provided, single submitter. Criteria: Invitae Variant Classification Sherloc (09022015). Collection method: clinical testing. Allele origin: germline.
Comment: This sequence change replaces isoleucine, which is neutral and non-polar, with valine, which is neutral and non-polar, at codon 450 of the SELENON protein (p.Ile450Val). This variant is present in population databases (no rsID available, gnomAD 0.009%). This variant has not been reported in the literature in individuals affected with SELENON-related conditions. ClinVar contains an entry for this variant (Variation ID: 843153). Algorithms developed to predict the effect of missense changes on protein structure and function (SIFT, PolyPhen-2, Align-GVGD) all suggest that this variant is likely to be tolerated. In summary, the available evidence is currently insufficient to determine the role of this variant in disease. Therefore, it has been classified as a Variant of Uncertain Significance.